The following is an entry in ClinVar:

ClinVar aggregate classification (germline): Uncertain significance (1 of 4 stars; one submission).

Allele frequency attached by ClinVar (database versions not stated): gnomAD exomes below 0.00001.
gnomAD v4.1: 2 of 1,612,078 alleles (0.00012%); highest among the groups gnomAD compares: East Asian, 0.0022%; no homozygotes.

Submission:

Labcorp Genetics (formerly Invitae), Labcorp
Classification: Uncertain significance. Last evaluated: 2022-04-08. Review status: criteria provided, single submitter. Criteria: Invitae Variant Classification Sherloc (09022015). Collection method: clinical testing. Allele origin: germline.
Comment: In summary, the available evidence is currently insufficient to determine the role of this variant in disease. Therefore, it has been classified as a Variant of Uncertain Significance. Algorithms developed to predict the effect of missense changes on protein structure and function (SIFT, PolyPhen-2, Align-GVGD) all suggest that this variant is likely to be tolerated. This variant has not been reported in the literature in individuals affected with RNASET2-related conditions. This variant is present in population databases (no rsID available, gnomAD 0.003%). This sequence change replaces arginine, which is basic and polar, with threonine, which is neutral and polar, at codon 174 of the RNASET2 protein (p.Arg174Thr).

NM_003730.6(RNASET2):c.521G>C (p.Arg174Thr)

Gene: RNASET2 (ribonuclease T2; minus strand). Cytogenetic location: 6q27.
Variant type: single nucleotide variant.
Coding change: c.521G>C on transcript NM_003730.6 (MANE Select); coding-DNA position 521, G replaced by C.
Protein change: p.Arg174Thr; replaces arginine 174 with threonine.
Molecular consequence: missense variant.
Genome position (GRCh38, 1-based): chr6:166,931,090, C>G on the plus strand (G>C on the coding strand, the complement: RNASET2 is on the minus strand). VCF-style: chr6-166931090-C-G. GRCh37 (hg19) VCF-style: chr6-167344578-C-G.
Other names: short protein forms R174T.
Identifiers: ClinVar variation 2122841 (VCV002122841.4), dbSNP rs1330770810, ClinGen allele CA366409432.